The following is an entry in ClinVar:

ClinVar aggregate classification (germline): Uncertain significance (1 of 4 stars; one submission).

Submission:

Labcorp Genetics (formerly Invitae), Labcorp
Classification: Uncertain significance. Last evaluated: 2022-03-01. Review status: criteria provided, single submitter. Criteria: Invitae Variant Classification Sherloc (09022015). Collection method: clinical testing. Allele origin: germline.
Comment: This sequence change creates a premature translational stop signal (p.Val320Phefs*5) in the POLR1B gene. It is expected to result in an absent or disrupted protein product. However, the current clinical and genetic evidence is not sufficient to establish whether loss-of-function variants in POLR1B cause disease. In summary, the available evidence is currently insufficient to determine the role of this variant in disease. Therefore, it has been classified as a Variant of Uncertain Significance. This variant has not been reported in the literature in individuals affected with POLR1B-related conditions. This variant is not present in population databases (gnomAD no frequency).

NM_019014.6(POLR1B):c.843del (p.Val282fs)

Gene: POLR1B (RNA polymerase I subunit B; plus strand). Cytogenetic location: 2q14.1.
Variant type: Deletion.
Coding change: c.843del on transcript NM_019014.6 (MANE Select); coding-DNA position 843, one base deleted (T; older notation c.843delT).
Protein change: p.Val282fs; shifts the reading frame from valine 282.
Molecular consequence: frameshift variant.
Genome position (GRCh38, 1-based): chr2:112,551,855, T deleted. VCF-style (leftmost placement, unchanged base first): chr2-112551854-CT-C. GRCh37 (hg19) VCF-style: chr2-113309431-CT-C.
Other names: c.675del, p.Val226fs (NM_001137604.3); c.957del, p.Val320fs (NM_001282772.2); c.843del, p.Val282fs (NM_001282774.2, NM_001371969.1); c.210del, p.Val71fs (NM_001282776.2, NM_001371971.1); c.426del, p.Val143fs (NM_001282777.2, NM_001282779.2, NM_001371970.1); c.675delT, p.Val226Phefs (NM_032212.2); short protein forms V143fs, V71fs, V226fs, V282fs, V320fs.
Identifiers: ClinVar variation 2104897 (VCV002104897.4), dbSNP rs2467575825, ClinGen allele CA2580063754.